The following is an entry in ClinVar:

NM_002768.5(CHMP1A):c.542G>A (p.Arg181His)

Gene: CHMP1A (charged multivesicular body protein 1A; minus strand). Cytogenetic location: 16q24.3.
Variant type: single nucleotide variant.
Coding change: c.542G>A on transcript NM_002768.5 (MANE Select); coding-DNA position 542, G replaced by A.
Protein change: p.Arg181His; replaces arginine 181 with histidine.
Molecular consequence: missense variant. On other transcripts: synonymous variant (1), non-coding transcript variant (1).
Genome position (GRCh38, 1-based): chr16:89,646,554, C>T on the plus strand (G>A on the coding strand, the complement: CHMP1A is on the minus strand). VCF-style: chr16-89646554-C-T. GRCh37 (hg19) VCF-style: chr16-89712962-C-T.
Other names: c.522G>A (NM_001083314.1); c.522G>A, p.Ala174= (NM_001083314.4); short protein forms R181H.
Identifiers: ClinVar variation 2171914 (VCV002171914.5), dbSNP rs544036856, ClinGen allele CA8246950.

ClinVar aggregate classification (germline): Conflicting classifications of pathogenicity. Review status: criteria provided, conflicting classifications (1 of 4 stars). 2 submissions from 2 submitters: Uncertain significance (1); Likely benign (1). Last evaluated 2025-09-28.

Conditions:
Inborn genetic diseases. Identifiers: MedGen C0950123, MeSH D030342.

Allele frequency attached by ClinVar (database versions not stated): ExAC 0.00003; TOPMed 0.00003; gnomAD 0.00004; gnomAD exomes 0.00005; 1000 Genomes Project 30x 0.00016; 1000 Genomes Project 0.00020.

Submissions (2):

Ambry Genetics
Classification: Likely benign for Inborn genetic diseases. Last evaluated: 2025-09-28. Review status: criteria provided, single submitter. Criteria: Ambry Variant Classification Scheme 2023. Collection method: clinical testing. Allele origin: germline.

Labcorp Genetics (formerly Invitae), Labcorp
Classification: Uncertain significance. Last evaluated: 2022-07-21. Review status: criteria provided, single submitter. Criteria: Invitae Variant Classification Sherloc (09022015). Collection method: clinical testing. Allele origin: germline.
Comment: In summary, the available evidence is currently insufficient to determine the role of this variant in disease. Therefore, it has been classified as a Variant of Uncertain Significance. Algorithms developed to predict the effect of missense changes on protein structure and function (SIFT, PolyPhen-2, Align-GVGD) all suggest that this variant is likely to be tolerated. This variant has not been reported in the literature in individuals affected with CHMP1A-related conditions. This variant is present in population databases (rs544036856, gnomAD 0.02%). This sequence change replaces arginine, which is basic and polar, with histidine, which is basic and polar, at codon 181 of the CHMP1A protein (p.Arg181His).